The following is an entry in ClinVar:

NM_001042492.3(NF1):c.1710T>C (p.Phe570=)

Gene: NF1 (neurofibromin 1; plus strand). Cytogenetic location: 17q11.2.
Variant type: single nucleotide variant.
Coding change: c.1710T>C on transcript NM_001042492.3 (MANE Select); coding-DNA position 1710, T replaced by C.
Protein change: p.Phe570=; no amino-acid change (phenylalanine 570 retained).
Molecular consequence: synonymous variant.
Genome position (GRCh38, 1-based): chr17:31,221,918, T>C. VCF-style: chr17-31221918-T-C. GRCh37 (hg19) VCF-style: chr17-29548936-T-C.
Other names: c.1710T>C, p.Phe570= (NM_000267.4, NM_001128147.3).
Identifiers: ClinVar variation 484115 (VCV000484115.18), dbSNP rs1462741584, ClinGen allele CA499228591.
Genomic context (GRCh38, chr17:31,221,918, plus strand): 5'-GGTTCTTCATCAGTTAGATAGCATTGATTTGTGGAATCCTGATGCTCCTGTAGAAACATT[T>C]TGGGAGATTAGGTATATGTACTTTTATTTTTTAAATTCAACTTTTAAATTTTATTTTGTA-3'
Protein context (NP_001035957.1, residues 560-580): LWNPDAPVET[Phe570=]WEISSQMLFY

ClinVar aggregate classification (germline): Benign/Likely benign. Review status: criteria provided, multiple submitters, no conflicts (2 of 4 stars). 5 submissions from 5 submitters: Benign (1); Likely benign (3). 1 of the submissions does not count toward it. Last evaluated 2026-05-15.

Conditions:
NF1-related disorder. Also called: NF1-related condition. Identifiers: MedGen CN379171.
Hereditary cancer-predisposing syndrome. Also called: Hereditary neoplastic syndrome; Neoplastic Syndromes, Hereditary; Hereditary Cancer Syndrome; Tumor predisposition. Identifiers: Orphanet 140162, MedGen C0027672, MeSH D009386, MONDO:0015356.
Cardiovascular phenotype. Identifiers: MedGen CN230736.
Neurofibromatosis, type 1 (NF1). Also called: Peripheral type neurofibromatosis; Neurofibromatosis, type I; VON RECKLINGHAUSEN DISEASE; NEUROFIBROMATOSIS, TYPE I, SOMATIC. Identifiers: Orphanet 636, MedGen C0027831, MONDO:0018975, OMIM 162200. Disease mechanism: loss of function.

Allele frequency attached by ClinVar (database versions not stated): gnomAD exomes below 0.00001.
gnomAD v4.1: 5 of 1,605,424 alleles (0.00031%); highest among the groups gnomAD compares: Non-Finnish European, 0.00042%; no homozygotes.

Submissions (5):

Myriad Genetics, Inc.
Classification: Benign for Neurofibromatosis, type 1. Last evaluated: 2026-05-15. Review status: criteria provided, single submitter. Criteria: Myriad Autosomal Dominant, Autosomal Recessive and X-Linked Classification Criteria (2023). Collection method: clinical testing. Allele origin: unknown.
Comment: This variant is considered benign. This variant is a silent/synonymous amino acid change and it is not expected to impact splicing.

Labcorp Genetics (formerly Invitae), Labcorp
Classification: Likely benign for Neurofibromatosis, type 1. Last evaluated: 2025-11-09. Review status: criteria provided, single submitter. Criteria: Invitae Variant Classification Sherloc (09022015). Collection method: clinical testing. Allele origin: germline.

Genome-Nilou Lab
Classification: Likely benign for Neurofibromatosis, type 1. Last evaluated: 2022-03-15. Review status: criteria provided, single submitter. Criteria: ACMG Guidelines, 2015. Collection method: clinical testing. Allele origin: germline. Affected: no.

Ambry Genetics
Classification: Likely benign for Cardiovascular phenotype; Hereditary cancer-predisposing syndrome. Last evaluated: 2017-04-21. Review status: criteria provided, single submitter. Criteria: Ambry Variant Classification Scheme 2023. Collection method: clinical testing. Allele origin: germline.

PreventionGenetics, part of Exact Sciences
Classification: Likely benign for NF1-related condition. Last evaluated: 2019-10-15. Review status: no assertion criteria provided. Collection method: clinical testing. Allele origin: germline. Not counted in ClinVar's aggregate classification.
Comment: This variant is classified as likely benign based on ACMG/AMP sequence variant interpretation guidelines (Richards et al. 2015 PMID: 25741868, with internal and published modifications).